The following is an entry in ClinVar:

ClinVar aggregate classification (germline): Pathogenic/Likely pathogenic. Review status: criteria provided, multiple submitters, no conflicts (2 of 4 stars). 9 submissions from 9 submitters: Pathogenic (1); Likely pathogenic (6). 2 of the submissions do not count toward it. Last evaluated 2026-07-20.

Conditions:
BRCA2-related disorder. Also called: BRCA2-related condition; BRCA2-related disorders. Identifiers: MedGen CN239275.
Hereditary cancer-predisposing syndrome. Also called: Neoplastic Syndromes, Hereditary; Hereditary neoplastic syndrome; Tumor predisposition; Hereditary Cancer Syndrome. Identifiers: Orphanet 140162, MedGen C0027672, MeSH D009386, MONDO:0015356.
Hereditary breast ovarian cancer syndrome. Also called: Hereditary breast and/or ovarian cancer syndrome; Breast and ovarian cancer; BRCA1- and BRCA2-Associated Hereditary Breast and Ovarian Cancer; Hereditary breast and ovarian cancer; Hereditary breast and ovarian cancer syndrome; Hereditary breast and ovarian cancer syndrome (HBOC). Identifiers: Orphanet 145, MedGen C0677776, MeSH D061325, MONDO:0003582. Disease mechanism: loss of function.
Breast-ovarian cancer, familial, susceptibility to, 2 (BROVCA2). Also called: BRCA2 Hereditary Breast and Ovarian Cancer. Identifiers: Orphanet 145, MedGen C2675520, MONDO:0012933, OMIM 612555. Disease mechanism: loss of function.

Allele frequency attached by ClinVar (database versions not stated): gnomAD exomes below 0.00001.

Submissions (9):

GeneDx
Classification: Likely pathogenic. Last evaluated: 2026-07-20. Review status: criteria provided, single submitter. Criteria: GeneDx Variant Classification Process June 2021. Collection method: clinical testing. Allele origin: germline.
Comment: Observed in individuals with familial breast/ovarian cancer (PMID: 25948282); Not observed at significant frequency in large population cohorts (gnomAD); Also known as 703+4del; This variant is associated with the following publications: (PMID: 32133419, 31131967, 27060066, 32123317, 25948282)

Ambry Genetics
Classification: Likely pathogenic for Hereditary cancer-predisposing syndrome. Last evaluated: 2025-01-06. Review status: criteria provided, single submitter. Criteria: Ambry Variant Classification Scheme 2023. Collection method: clinical testing. Allele origin: germline.
Comment: The c.475+4delT intronic variant, located in intron 4 of the BRCA2 gene, results from a deletion of one nucleotide within intron 4 of the BRCA2 gene. This nucleotide position is well conserved in available vertebrate species. This variant is considered to be rare based on population cohorts in the Genome Aggregation Database (gnomAD). In silico splice site analysis predicts that this alteration may weaken the native splice donor site. RNA studies have demonstrated this alteration results in abnormal splicing in the set of samples tested (Ambry internal data; Wai HA et al. Genet Med 2020 06;22(6):1005-1014). Based on the majority of available evidence to date, this variant is likely to be pathogenic.

Labcorp Genetics (formerly Invitae), Labcorp
Classification: Pathogenic for Hereditary breast ovarian cancer syndrome. Last evaluated: 2024-12-15. Review status: criteria provided, single submitter. Criteria: Invitae Variant Classification Sherloc (09022015). Collection method: clinical testing. Allele origin: germline.
Comment: This sequence change falls in intron 5 of the BRCA2 gene. It does not directly change the encoded amino acid sequence of the BRCA2 protein. RNA analysis indicates that this variant induces altered splicing and may result in an absent or altered protein product. This variant is not present in population databases (gnomAD no frequency). This variant has been observed in individual(s) with breast cancer, prostate cancer (PMID: 25948282, 32133419). ClinVar contains an entry for this variant (Variation ID: 37921). Variants that disrupt the consensus splice site are a relatively common cause of aberrant splicing (PMID: 17576681, 9536098). Studies have shown that this variant results in skipping of exon 5, and produces a non-functional protein and/or introduces a premature termination codon (PMID: 32133419; internal data). For these reasons, this variant has been classified as Pathogenic.

Blueprint Genetics
Classification: Likely pathogenic for BRCA2-related disorders. Last evaluated: 2024-08-12. Review status: criteria provided, single submitter. Criteria: ACMG Guidelines, 2015. Collection method: clinical testing. Allele origin: germline. Affected: yes. Observed: 1 variant allele.

Women's Health and Genetics/Laboratory Corporation of America, LabCorp
Classification: Likely pathogenic for Hereditary breast ovarian cancer syndrome. Last evaluated: 2023-01-03. Review status: criteria provided, single submitter. Criteria: LabCorp Variant Classification Summary - May 2015. Collection method: clinical testing. Allele origin: germline.
Comment: Variant summary: BRCA2 c.475+4delT alters a non-conserved nucleotide located close to a canonical splice site and therefore it could affect mRNA splicing, leading to a significantly altered protein sequence. Several computational tools predict a significant impact on normal splicing: three predict the variant weakens a 5' donor site. Publications utilizing patient derived blood RNA samples reported experimental evidence, confirming that this variant affects splicing, resulting in exon 5 skipping with a premature truncation at the protein level (Landrith_2020, Wai_2020). The variant was absent in 251000 control chromosomes (gnomAD). The variant, c.475+4delT, has been reported in the literature in multiple individuals affected with Hereditary Breast and Ovarian Cancer Syndrome (Kluska_2015, Landrith_2020). These data indicate that the variant is likely associated with disease. Five other clinical diagnostic laboratories have submitted clinical-significance assessments for this variant to ClinVar after 2014 and classified as Likely pathogenic (n=4) and VUS (n=1). Based on the evidence outlined above, the variant was classified as likely pathogenic.

MGZ Medical Genetics Center
Classification: Likely pathogenic for Breast-ovarian cancer, familial, susceptibility to, 2. Last evaluated: 2022-01-31. Review status: criteria provided, single submitter. Criteria: ACMG Guidelines, 2015. Collection method: clinical testing. Allele origin: germline. Affected: yes. Observed: 1 variant allele.
Comment: ACMG criteria applied: PS3, PS4_MOD, PM2_SUP

Color Diagnostics, LLC DBA Color Health
Classification: Likely pathogenic for Hereditary cancer-predisposing syndrome. Last evaluated: 2020-03-23. Review status: criteria provided, single submitter. Criteria: ACMG Guidelines, 2015. Collection method: clinical testing. Allele origin: germline.
Comment: This variant causes deletion of a T in intron 5 of the BRCA2 gene. Functional studies have shown that this variant resulted in exon 5 skipping and premature truncation (PMID: 32133419). This variant has been reported in individuals affected with breast cancer (PMID: 32133419, 25948282). This variant has not been identified in the general population by the Genome Aggregation Database (gnomAD). Based on the available evidence, this variant is classified as Likely Pathogenic.

Sharing Clinical Reports Project (SCRP)
Classification: Likely pathogenic for Breast-ovarian cancer, familial 2. Last evaluated: 2011-10-18. Review status: no assertion criteria provided. Collection method: clinical testing. Allele origin: germline. Not counted in ClinVar's aggregate classification.

Breast Cancer Information Core (BIC) (BRCA2)
Classification: Uncertain significance for Breast-ovarian cancer, familial 2. Last evaluated: 2003-12-23. Review status: no assertion criteria provided. Collection method: clinical testing. Allele origin: germline. Affected: yes. Observed: 1 variant allele. Not counted in ClinVar's aggregate classification.

Literature cited by the submitters: PubMed 25948282 (cited by 3 submitters); PubMed 27060066 (cited by Ambry Genetics); PubMed 32123317 (cited by Ambry Genetics and Women's Health and Genetics/Laboratory Corporation of America, LabCorp); PubMed 32133419 (cited by Labcorp Genetics (formerly Invitae), Labcorp and Women's Health and Genetics/Laboratory Corporation of America, LabCorp); PubMed 17576681 (cited by Labcorp Genetics (formerly Invitae), Labcorp); PubMed 9536098 (cited by Labcorp Genetics (formerly Invitae), Labcorp); PubMed 28476184 (cited by Women's Health and Genetics/Laboratory Corporation of America, LabCorp).

NM_000059.4(BRCA2):c.475+4del

Gene: BRCA2 (BRCA2 DNA repair associated; plus strand). Cytogenetic location: 13q13.1.
Variant type: Deletion.
Coding change: c.475+4del on transcript NM_000059.4 (MANE Select); 4 bases into the intron after coding-DNA position 475, one base deleted (T; older notation c.475+4delT).
Molecular consequence: intron variant.
Genome position (GRCh38, 1-based): chr13:32,326,154, T deleted. VCF-style (leftmost placement, unchanged base first): chr13-32326153-AT-A. GRCh37 (hg19) VCF-style: chr13-32900290-AT-A.
Other names: IVS5+4delT; c.475+4delT (NM_000059.3).
Identifiers: ClinVar variation 37921 (VCV000037921.67), dbSNP rs276174848, ClinGen allele CA020770.
Genomic context (GRCh38, chr13:32,326,153, plus strand): 5'-TATTTTAGTCCTGTTGTTCTACAATGTACACATGTAACACCACAAAGAGATAAGTCAGGT[AT>A]GATTAAAAACAATGCTTTTTATTCTTAGAATACTAGAAATGTTAATAAAAATAAAACTTA-3'